The following is an entry in ClinVar:

NM_015506.3(MMACHC):c.798C>T (p.Ala266=)

Gene: MMACHC (metabolism of cobalamin associated C; plus strand). Cytogenetic location: 1p34.1.
Variant type: single nucleotide variant.
Coding change: c.798C>T on transcript NM_015506.3 (MANE Select); coding-DNA position 798, C replaced by T.
Protein change: p.Ala266=; no amino-acid change (alanine 266 retained).
Molecular consequence: synonymous variant.
Genome position (GRCh38, 1-based): chr1:45,509,164, C>T. VCF-style: chr1-45509164-C-T. GRCh37 (hg19) VCF-style: chr1-45974836-C-T.
Other names: p.Ala266=; c.627C>T, p.Ala209= (NM_001330540.2).
Identifiers: ClinVar variation 767068 (VCV000767068.15), dbSNP rs201813445, ClinGen allele CA827864.

ClinVar aggregate classification (germline): Likely benign. Review status: criteria provided, multiple submitters, no conflicts (2 of 4 stars). 5 submissions from 5 submitters: Likely benign (5). Last evaluated 2026-06-16.

Conditions:
Cobalamin C disease. Also called: methylmalonic aciduria and homocystinuria type cblC; Methylmalonic aciduria with homocystinuria cblC type; Cobalamin-C methylmalonic acidemia and homocystinuria; Methylmalonic acidemia and homocystinuria cblC type; Methylmalonic aciduria and homocystinuria, Vitamin B12-responsive; Vitamin B12 metabolic defect with combined deficiency of methylmalonyl-CoA mutase and homocysteine:methyltetrahydrofolate methyltransferase. Identifiers: Orphanet 26, Orphanet 79282, MedGen C1848561, MONDO:0010184, OMIM 277400.

Allele frequency attached by ClinVar (database versions not stated): gnomAD exomes 0.00006 and 0.00014; ExAC 0.00017; gnomAD 0.00071 and 0.00075; 1000 Genomes Project 0.00080; TOPMed 0.00083; ESP Exome Variant Server 0.00092; 1000 Genomes Project 30x 0.00125.
gnomAD v4.1: 201 of 1,613,964 alleles (0.012%); highest among the groups gnomAD compares: African/African-American, 0.24%; 1 homozygote.

Submissions (5):

Women's Health and Genetics/Laboratory Corporation of America, LabCorp
Classification: Likely benign. Last evaluated: 2026-06-16. Review status: criteria provided, single submitter. Criteria: LabCorp Variant Classification Summary - May 2015. Collection method: clinical testing. Allele origin: germline.

Labcorp Genetics (formerly Invitae), Labcorp
Classification: Likely benign for Cobalamin C disease. Last evaluated: 2026-01-24. Review status: criteria provided, single submitter. Criteria: Invitae Variant Classification Sherloc (09022015). Collection method: clinical testing. Allele origin: germline.

Mayo Clinic Laboratories, Mayo Clinic
Classification: Likely benign. Last evaluated: 2025-03-12. Review status: criteria provided, single submitter. Criteria: ACMG Guidelines, 2015. Collection method: clinical testing. Allele origin: germline. Observed: 1 variant allele.
Comment: BP4, BP7

Blueprint Genetics
Classification: Likely benign. Last evaluated: 2024-09-13. Review status: criteria provided, single submitter. Criteria: ACMG Guidelines, 2015. Collection method: clinical testing. Allele origin: germline.

Breakthrough Genomics
Classification: Likely benign. Review status: criteria provided, single submitter. Criteria: ACMG Guidelines, 2015. Collection method: not provided. Allele origin: germline. Inheritance: Autosomal recessive inheritance. Affected: yes.